The following is an entry in ClinVar:

NM_002074.5(GNB1):c.896C>T (p.Ala299Val)

Gene: GNB1 (G protein subunit beta 1; minus strand). Cytogenetic location: 1p36.33.
Variant type: single nucleotide variant.
Coding change: c.896C>T on transcript NM_002074.5 (MANE Select); coding-DNA position 896, C replaced by T.
Protein change: p.Ala299Val; replaces alanine 299 with valine.
Molecular consequence: missense variant.
Genome position (GRCh38, 1-based): chr1:1,789,073, G>A on the plus strand (C>T on the coding strand, the complement: GNB1 is on the minus strand). VCF-style: chr1-1789073-G-A. GRCh37 (hg19) VCF-style: chr1-1720512-G-A.
Other names: c.596C>T, p.Ala199Val (NM_001282538.2); c.896C>T, p.Ala299Val (NM_001282539.2); c.896C>T (NM_002074.4, NM_002074.3); short protein forms A299V, A199V.
Identifiers: ClinVar variation 1506609 (VCV001506609.10), dbSNP rs1646445742, ClinGen allele CA337903348.

ClinVar aggregate classification (germline): Uncertain significance. Review status: criteria provided, multiple submitters, no conflicts (2 of 4 stars). 3 submissions from 3 submitters: Uncertain significance (3). Last evaluated 2024-08-18.

Conditions:
Inborn genetic diseases. Identifiers: MedGen C0950123, MeSH D030342.

Allele frequency attached by ClinVar (database versions not stated): gnomAD exomes below 0.00001.
gnomAD v4.1: 3 of 1,613,914 alleles (0.00019%); highest among the groups gnomAD compares: East Asian, 0.0067%; no homozygotes.

Submissions (3):

GeneDx
Classification: Uncertain significance. Last evaluated: 2024-08-18. Review status: criteria provided, single submitter. Criteria: GeneDx Variant Classification Process June 2021. Collection method: clinical testing. Allele origin: germline. Affected: yes.
Comment: Not observed at significant frequency in large population cohorts (gnomAD); In silico analysis indicates that this missense variant does not alter protein structure/function; Has not been previously published as pathogenic or benign to our knowledge

Ambry Genetics
Classification: Uncertain significance for Inborn genetic diseases. Last evaluated: 2023-12-04. Review status: criteria provided, single submitter. Criteria: Ambry Variant Classification Scheme 2023. Collection method: clinical testing. Allele origin: germline.

Labcorp Genetics (formerly Invitae), Labcorp
Classification: Uncertain significance. Last evaluated: 2021-02-02. Review status: criteria provided, single submitter. Criteria: Invitae Variant Classification Sherloc (09022015). Collection method: clinical testing. Allele origin: germline.
Comment: In summary, the available evidence is currently insufficient to determine the role of this variant in disease. Therefore, it has been classified as a Variant of Uncertain Significance. Algorithms developed to predict the effect of missense changes on protein structure and function (SIFT, PolyPhen-2, Align-GVGD) all suggest that this variant is likely to be tolerated, but these predictions have not been confirmed by published functional studies and their clinical significance is uncertain. This variant has not been reported in the literature in individuals with GNB1-related conditions. This variant is not present in population databases (ExAC no frequency). This sequence change replaces alanine with valine at codon 299 of the GNB1 protein (p.Ala299Val). The alanine residue is weakly conserved and there is a small physicochemical difference between alanine and valine.